The following is an entry in ClinVar:

ClinVar aggregate classification (germline): Conflicting classifications of pathogenicity. Review status: criteria provided, conflicting classifications (1 of 4 stars). 3 submissions from 3 submitters: Uncertain significance (1); Likely benign (2). Last evaluated 2023-01-19.

Conditions:
Autosomal dominant Alport syndrome (ATS3A). Also called: ALPORT SYNDROME 3A, AUTOSOMAL DOMINANT; Alport syndrome dominant type; Renal failure and sensorineural hearing loss. Identifiers: Orphanet 63, Orphanet 88918, MedGen C5882663, MONDO:0007086, OMIM 104200.
Autosomal recessive Alport syndrome (ATS2). Also called: COL4A4 Alport Syndrome and Thin Basement Membrane Nephropathy; ALPORT SYNDROME 2, AUTOSOMAL RECESSIVE; Alport syndrome type 2; COL4A3-Related Nephropathy. Identifiers: Orphanet 63, Orphanet 88919, MedGen C4746745, MONDO:0008762, OMIM 203780.
Benign familial hematuria. Also called: thin basement membrane disease. Identifiers: MedGen C0241908, MONDO:0957317.

Allele frequency attached by ClinVar (database versions not stated): gnomAD exomes below 0.00001; ExAC 0.00001.
gnomAD v4.1: 2 of 1,614,236 alleles (0.00012%); highest among the groups gnomAD compares: African/African-American, 0.0013%; no homozygotes.

Submissions (3):

Greenwood Genetic Center Diagnostic Laboratories, Greenwood Genetic Center
Classification: Uncertain significance. Last evaluated: 2023-01-19. Review status: criteria provided, single submitter. Criteria: ACMG Guidelines, 2015. Collection method: clinical testing. Allele origin: germline. Affected: yes.
Comment: PM2, BP4

Labcorp Genetics (formerly Invitae), Labcorp
Classification: Likely benign. Last evaluated: 2022-07-11. Review status: criteria provided, single submitter. Criteria: Invitae Variant Classification Sherloc (09022015). Collection method: clinical testing. Allele origin: germline.

Fulgent Genetics
Classification: Likely benign for Autosomal dominant Alport syndrome; Hematuria, benign familial, 1; Autosomal recessive Alport syndrome. Last evaluated: 2022-05-08. Review status: criteria provided, single submitter. Criteria: ACMG Guidelines, 2015. Collection method: clinical testing. Allele origin: unknown.

NM_000091.5(COL4A3):c.4028-15T>C

Genes: COL4A3 (collagen type IV alpha 3 chain; plus strand), MFF-DT (MFF divergent transcript; minus strand). Cytogenetic location: 2q36.3.
Variant type: single nucleotide variant.
Coding change: c.4028-15T>C on transcript NM_000091.5 (MANE Select); 15 bases into the intron before coding-DNA position 4028, T replaced by C.
Molecular consequence: intron variant.
Genome position (GRCh38, 1-based): chr2:227,304,004, T>C. VCF-style: chr2-227304004-T-C. GRCh37 (hg19) VCF-style: chr2-228168720-T-C.
Identifiers: ClinVar variation 1081032 (VCV001081032.11), dbSNP rs764478470, ClinGen allele CA2147434.